The following is an entry in ClinVar:

NM_030912.3(TRIM8):c.1097C>T (p.Pro366Leu)

Gene: TRIM8 (tripartite motif containing 8; plus strand). Cytogenetic location: 10q24.32.
Variant type: single nucleotide variant.
Coding change: c.1097C>T on transcript NM_030912.3 (MANE Select); coding-DNA position 1097, C replaced by T.
Protein change: p.Pro366Leu; replaces proline 366 with leucine.
Molecular consequence: missense variant. On other transcripts: non-coding transcript variant (1).
Genome position (GRCh38, 1-based): chr10:102,656,795, C>T. VCF-style: chr10-102656795-C-T. GRCh37 (hg19) VCF-style: chr10-104416552-C-T.
Other names: c.1001C>T, p.Pro334Leu (NM_001345950.1); short protein forms P366L, P334L.
Identifiers: ClinVar variation 1912770 (VCV001912770.5), dbSNP rs1224480333, ClinGen allele CA377931126.

ClinVar aggregate classification (germline): Uncertain significance (1 of 4 stars; one submission).

gnomAD v4.1: 2 of 1,520,520 alleles (0.00013%); highest among the groups gnomAD compares: Admixed American, 0.0022%; no homozygotes.

Submission:

Labcorp Genetics (formerly Invitae), Labcorp
Classification: Uncertain significance. Last evaluated: 2022-06-30. Review status: criteria provided, single submitter. Criteria: Invitae Variant Classification Sherloc (09022015). Collection method: clinical testing. Allele origin: germline.
Comment: This sequence change replaces proline, which is neutral and non-polar, with leucine, which is neutral and non-polar, at codon 366 of the TRIM8 protein (p.Pro366Leu). In summary, the available evidence is currently insufficient to determine the role of this variant in disease. Therefore, it has been classified as a Variant of Uncertain Significance. Algorithms developed to predict the effect of missense changes on protein structure and function are either unavailable or do not agree on the potential impact of this missense change (SIFT: "Deleterious"; PolyPhen-2: "Benign"; Align-GVGD: "Class C35"). This variant has not been reported in the literature in individuals affected with TRIM8-related conditions. This variant is present in population databases (no rsID available, gnomAD 0.005%).